The following is an entry in ClinVar:

NM_005263.5(GFI1):c.385G>C (p.Gly129Arg)

Gene: GFI1 (growth factor independent 1 transcriptional repressor; minus strand). Cytogenetic location: 1p22.1.
Variant type: single nucleotide variant.
Coding change: c.385G>C on transcript NM_005263.5 (MANE Select); coding-DNA position 385, G replaced by C.
Protein change: p.Gly129Arg; replaces glycine 129 with arginine.
Molecular consequence: missense variant.
Genome position (GRCh38, 1-based): chr1:92,481,002, C>G on the plus strand (G>C on the coding strand, the complement: GFI1 is on the minus strand). VCF-style: chr1-92481002-C-G. GRCh37 (hg19) VCF-style: chr1-92946559-C-G.
Other names: c.385G>C, p.Gly129Arg (NM_001127215.3, NM_001127216.3); short protein forms G129R.
Identifiers: ClinVar variation 4824845 (VCV004824845.1).

ClinVar aggregate classification (germline): Uncertain significance (1 of 4 stars; one submission).

Submission:

Ambry Genetics
Classification: Uncertain significance. Last evaluated: 2026-01-20. Review status: criteria provided, single submitter. Criteria: Ambry Variant Classification Scheme 2023. Collection method: clinical testing. Allele origin: germline.
Comment: The p.G129R variant (also known as c.385G>C), located in coding exon 3 of the GFI1 gene, results from a G to C substitution at nucleotide position 385. The glycine at codon 129 is replaced by arginine, an amino acid with dissimilar properties. This amino acid position is conserved. In addition, this alteration is predicted to be tolerated by in silico analysis. Based on the available evidence, the clinical significance of this variant remains unclear.